The following is an entry in ClinVar:

NM_005739.4(RASGRP1):c.495T>G (p.His165Gln)

Gene: RASGRP1 (RAS guanyl releasing protein 1; minus strand). Cytogenetic location: 15q14.
Variant type: single nucleotide variant.
Coding change: c.495T>G on transcript NM_005739.4 (MANE Select); coding-DNA position 495, T replaced by G.
Protein change: p.His165Gln; replaces histidine 165 with glutamine.
Molecular consequence: missense variant.
Genome position (GRCh38, 1-based): chr15:38,518,318, A>C on the plus strand (T>G on the coding strand, the complement: RASGRP1 is on the minus strand). VCF-style: chr15-38518318-A-C. GRCh37 (hg19) VCF-style: chr15-38810519-A-C.
Other names: c.495T>G, p.His165Gln (NM_001128602.2, NM_001306086.2); short protein forms H165Q.
Identifiers: ClinVar variation 1481765 (VCV001481765.6), dbSNP rs148766586, ClinGen allele CA268696345.

ClinVar aggregate classification (germline): Uncertain significance (1 of 4 stars; one submission).

gnomAD v4.1: 11 of 1,610,640 alleles (0.00068%); highest among the groups gnomAD compares: Non-Finnish European, 0.00093%; no homozygotes.

Submission:

Labcorp Genetics (formerly Invitae), Labcorp
Classification: Uncertain significance. Last evaluated: 2023-09-30. Review status: criteria provided, single submitter. Criteria: Invitae Variant Classification Sherloc (09022015). Collection method: clinical testing. Allele origin: germline.
Comment: This sequence change replaces histidine, which is basic and polar, with glutamine, which is neutral and polar, at codon 165 of the RASGRP1 protein (p.His165Gln). This variant is present in population databases (no rsID available, gnomAD 0.0009%). This variant has not been reported in the literature in individuals affected with RASGRP1-related conditions. ClinVar contains an entry for this variant (Variation ID: 1481765). Advanced modeling of protein sequence and biophysical properties (such as structural, functional, and spatial information, amino acid conservation, physicochemical variation, residue mobility, and thermodynamic stability) performed at Invitae indicates that this missense variant is not expected to disrupt RASGRP1 protein function. In summary, the available evidence is currently insufficient to determine the role of this variant in disease. Therefore, it has been classified as a Variant of Uncertain Significance.